The following is an entry in ClinVar:

NM_015076.5(CDK19):c.25C>G (p.Leu9Val)

Genes: AMD1 (adenosylmethionine decarboxylase 1; plus strand), CDK19 (cyclin dependent kinase 19; minus strand). Cytogenetic location: 6q21.
Variant type: single nucleotide variant.
Coding change: c.25C>G on transcript NM_015076.5 (MANE Select); coding-DNA position 25, C replaced by G.
Protein change: p.Leu9Val; replaces leucine 9 with valine.
Molecular consequence: missense variant. On other transcripts: intron variant (3).
Genome position (GRCh38, 1-based): chr6:110,815,112, G>C on the plus strand (C>G on the coding strand, the complement: CDK19 is on the minus strand). VCF-style: chr6-110815112-G-C. GRCh37 (hg19) VCF-style: chr6-111136315-G-C.
Other names: c.25C>G, p.Leu9Val (NM_001300960.2); c.-53+696C>G (NM_001300964.2); c.-115+459C>G (NM_001300963.2); c.-98+297G>C (NM_001287215.2); short protein forms L9V.
Identifiers: ClinVar variation 3347137 (VCV003347137.1).

ClinVar aggregate classification (germline): Uncertain significance (0 of 4 stars; one submission).

Conditions:
CDK19-related disorder. Also called: CDK19-related condition.

gnomAD v4.1: 1 of 1,601,954 alleles (0.000062%); highest among the groups gnomAD compares: Non-Finnish European, 0.000085%; no homozygotes.

Submission:

PreventionGenetics, part of Exact Sciences
Classification: Uncertain significance for CDK19-related condition. Last evaluated: 2024-06-28. Review status: no assertion criteria provided. Collection method: clinical testing. Allele origin: germline.
Comment: The CDK19 c.25C>G variant is predicted to result in the amino acid substitution p.Leu9Val. To our knowledge, this variant has not been reported in the literature or in a large population database, indicating this variant is rare. At this time, the clinical significance of this variant is uncertain due to the absence of conclusive functional and genetic evidence.